The following is an entry in ClinVar:

NM_001276270.2(MBD4):c.638T>G (p.Leu213Arg)

Gene: MBD4 (methyl-CpG binding domain 4, DNA glycosylase; minus strand). Cytogenetic location: 3q21.3.
Variant type: single nucleotide variant.
Coding change: c.638T>G on transcript NM_001276270.2 (MANE Select); coding-DNA position 638, T replaced by G.
Protein change: p.Leu213Arg; replaces leucine 213 with arginine.
Molecular consequence: missense variant. On other transcripts: intron variant (1).
Genome position (GRCh38, 1-based): chr3:129,437,006, A>C on the plus strand (T>G on the coding strand, the complement: MBD4 is on the minus strand). VCF-style: chr3-129437006-A-C. GRCh37 (hg19) VCF-style: chr3-129155849-A-C.
Other names: c.638T>G, p.Leu213Arg (NM_001276271.2, NM_001276272.2, NM_003925.3); c.247+802T>G (NM_001276273.2); short protein forms L213R.
Identifiers: ClinVar variation 4825717 (VCV004825717.1).
Genomic context (GRCh38, chr3:129,437,006, plus strand): 5'-CCTTTGGGCTTTCTAACCTTTCTGAAGTTAACATCATCAACACCCTCATCTTCTTTCAAA[A>C]GCAAATGAGTGGAAGTAAAGTTAGAGAGTCCTCTGCTCTCCTGCAACTCTGAACTACTAC-3'
Protein context (NP_001263199.1, residues 203-223): GLSNFTSTHL[Leu213Arg]LKEDEGVDDV

ClinVar aggregate classification (germline): Uncertain significance (1 of 4 stars; one submission).

Conditions:
Inborn genetic diseases. Identifiers: MedGen C0950123, MeSH D030342.

Submission:

Ambry Genetics
Classification: Uncertain significance for Inborn genetic diseases. Last evaluated: 2026-02-17. Review status: criteria provided, single submitter. Criteria: Ambry Variant Classification Scheme 2023. Collection method: clinical testing. Allele origin: germline.
Comment: The p.L213R variant (also known as c.638T>G), located in coding exon 3 of the MBD4 gene, results from a T to G substitution at nucleotide position 638. The leucine at codon 213 is replaced by arginine, an amino acid with dissimilar properties. This amino acid position is not well conserved in available vertebrate species. In addition, the in silico prediction for this alteration is inconclusive. Based on the available evidence, the clinical significance of this variant remains unclear.